The following is an entry in ClinVar:

NM_014003.4(DHX38):c.1475C>T (p.Thr492Met)

Gene: DHX38 (DEAH-box helicase 38; plus strand). Cytogenetic location: 16q22.2.
Variant type: single nucleotide variant.
Coding change: c.1475C>T on transcript NM_014003.4 (MANE Select); coding-DNA position 1475, C replaced by T.
Protein change: p.Thr492Met; replaces threonine 492 with methionine.
Molecular consequence: missense variant.
Genome position (GRCh38, 1-based): chr16:72,101,588, C>T. VCF-style: chr16-72101588-C-T. GRCh37 (hg19) VCF-style: chr16-72135487-C-T.
Other names: short protein forms T492M.
Identifiers: ClinVar variation 770790 (VCV000770790.22), dbSNP rs36064538, ClinGen allele CA8160322.

ClinVar aggregate classification (germline): Benign/Likely benign. Review status: criteria provided, multiple submitters, no conflicts (2 of 4 stars). 3 submissions from 3 submitters: Benign (2); Likely benign (1). Last evaluated 2026-09-01.

Allele frequency attached by ClinVar (database versions not stated): 1000 Genomes Project 0.00200; 1000 Genomes Project 30x 0.00250; gnomAD 0.00372 and 0.00377; ExAC 0.00410; ESP Exome Variant Server 0.00429; TOPMed 0.00459; gnomAD exomes 0.00460 and 0.00506.
gnomAD v4.1: 7,676 of 1,551,794 alleles (0.49%); highest among the groups gnomAD compares: Middle Eastern, 0.67%; 44 homozygotes.

Submissions (3):

CeGaT Center for Human Genetics Tuebingen
Classification: Likely benign. Last evaluated: 2026-09-01. Review status: criteria provided, single submitter. Criteria: CeGaT Center For Human Genetics Tuebingen Variant Classification Criteria Version 2. Collection method: clinical testing. Allele origin: germline. Affected: yes. Observed: 3 variant alleles.
Comment: DHX38: BS2

Labcorp Genetics (formerly Invitae), Labcorp
Classification: Benign. Last evaluated: 2026-02-03. Review status: criteria provided, single submitter. Criteria: Invitae Variant Classification Sherloc (09022015). Collection method: clinical testing. Allele origin: germline.

Breakthrough Genomics
Classification: Benign. Review status: criteria provided, single submitter. Criteria: ACMG Guidelines, 2015. Collection method: not provided. Allele origin: germline. Inheritance: Autosomal recessive inheritance. Affected: yes.